The following is an entry in ClinVar:

ClinVar aggregate classification (germline): Uncertain significance (1 of 4 stars; one submission).

Allele frequency attached by ClinVar (database versions not stated): ExAC 0.00002.

Submission:

Labcorp Genetics (formerly Invitae), Labcorp
Classification: Uncertain significance. Last evaluated: 2023-12-11. Review status: criteria provided, single submitter. Criteria: Invitae Variant Classification Sherloc (09022015). Collection method: clinical testing. Allele origin: germline.
Comment: This sequence change replaces valine, which is neutral and non-polar, with methionine, which is neutral and non-polar, at codon 477 of the ERBB2 protein (p.Val477Met). This variant is present in population databases (rs755121772, gnomAD 0.006%). This variant has not been reported in the literature in individuals affected with ERBB2-related conditions. ClinVar contains an entry for this variant (Variation ID: 2171923). Advanced modeling of protein sequence and biophysical properties (such as structural, functional, and spatial information, amino acid conservation, physicochemical variation, residue mobility, and thermodynamic stability) performed at Invitae indicates that this missense variant is not expected to disrupt ERBB2 protein function with a negative predictive value of 80%. In summary, the available evidence is currently insufficient to determine the role of this variant in disease. Therefore, it has been classified as a Variant of Uncertain Significance.

NM_004448.4(ERBB2):c.1429G>A (p.Val477Met)

Gene: ERBB2 (erb-b2 receptor tyrosine kinase 2; plus strand). Cytogenetic location: 17q12.
Variant type: single nucleotide variant.
Coding change: c.1429G>A on transcript NM_004448.4 (MANE Select); coding-DNA position 1429, G replaced by A.
Protein change: p.Val477Met; replaces valine 477 with methionine.
Molecular consequence: missense variant. On other transcripts: non-coding transcript variant (1), intron variant (1).
Genome position (GRCh38, 1-based): chr17:39,715,855, G>A. VCF-style: chr17-39715855-G-A. GRCh37 (hg19) VCF-style: chr17-37872108-G-A.
Other names: c.1339G>A, p.Val447Met (NM_001005862.3, NM_001289938.2, NM_001382782.1 and 1 more transcripts); c.1384G>A, p.Val462Met (NM_001289936.2); c.1429G>A, p.Val477Met (NM_001289937.2, NM_001382785.1, NM_001382788.1 and 12 more transcripts); c.1546G>A, p.Val516Met (NM_001382784.1, NM_001382786.1); c.1504G>A, p.Val502Met (NM_001382787.1); c.1450G>A, p.Val484Met (NM_001382789.1); c.1420G>A, p.Val474Met (NM_001382791.1); c.1249G>A, p.Val417Met (NM_001382799.1); and 3 more; short protein forms V201M, V391M, V417M, V474M, V477M, V484M, V502M, V447M.
Identifiers: ClinVar variation 2171923 (VCV002171923.4), dbSNP rs755121772, ClinGen allele CA8533980.